The following is an entry in ClinVar:

NM_014043.4(CHMP2B):c.142A>G (p.Lys48Glu)

Gene: CHMP2B (charged multivesicular body protein 2B; plus strand). Cytogenetic location: 3p11.2.
Variant type: single nucleotide variant.
Coding change: c.142A>G on transcript NM_014043.4 (MANE Select); coding-DNA position 142, A replaced by G.
Protein change: p.Lys48Glu; replaces lysine 48 with glutamic acid.
Molecular consequence: missense variant.
Genome position (GRCh38, 1-based): chr3:87,245,729, A>G. VCF-style: chr3-87245729-A-G. GRCh37 (hg19) VCF-style: chr3-87294879-A-G.
Other names: c.19A>G, p.Lys7Glu (NM_001244644.2); c.238A>G, p.Lys80Glu (NM_001410777.1); short protein forms K80E, K7E, K48E.
Identifiers: ClinVar variation 2936387 (VCV002936387.3), dbSNP rs1201912426, ClinGen allele CA353696773.

ClinVar aggregate classification (germline): Uncertain significance (1 of 4 stars; one submission).

Conditions:
Frontotemporal dementia and/or amyotrophic lateral sclerosis 7 (FTDALS7). Also called: CHMP2B-related frontotemporal dementia; AMYOTROPHIC LATERAL SCLEROSIS, CHMP2B-RELATED; Amyotrophic lateral sclerosis 17; CHMP2B-Related Frontotemporal Dementia-Amyotrophic Lateral Sclerosis. Identifiers: Orphanet 275864, Orphanet 282, Orphanet 803, MedGen C1833296, MONDO:0010936, OMIM 600795.

Allele frequency attached by ClinVar (database versions not stated): TOPMed below 0.00001.
gnomAD v4.1: 12 of 1,613,366 alleles (0.00074%); highest among the groups gnomAD compares: Non-Finnish European, 0.00093%; no homozygotes.

Submission:

Labcorp Genetics (formerly Invitae), Labcorp
Classification: Uncertain significance for Frontotemporal dementia and/or amyotrophic lateral sclerosis 7. Last evaluated: 2025-08-16. Review status: criteria provided, single submitter. Criteria: Invitae Variant Classification Sherloc (09022015). Collection method: clinical testing. Allele origin: germline.
Comment: This sequence change replaces lysine, which is basic and polar, with glutamic acid, which is acidic and polar, at codon 48 of the CHMP2B protein (p.Lys48Glu). This variant is present in population databases (no rsID available, gnomAD 0.0009%). This variant has not been reported in the literature in individuals affected with CHMP2B-related conditions. ClinVar contains an entry for this variant (Variation ID: 2936387). An algorithm developed to predict the effect of missense changes on protein structure and function (PolyPhen-2) suggests that this variant is likely to be disruptive. In summary, the available evidence is currently insufficient to determine the role of this variant in disease. Therefore, it has been classified as a Variant of Uncertain Significance.